The following is an entry in ClinVar:

ClinVar aggregate classification (germline): Uncertain significance (1 of 4 stars; one submission).

Submission:

GeneDx
Classification: Uncertain significance. Last evaluated: 2025-07-23. Review status: criteria provided, single submitter. Criteria: GeneDx Variant Classification Process June 2021. Collection method: clinical testing. Allele origin: germline.
Comment: Not observed at significant frequency in large population cohorts (gnomAD); In silico analysis suggests that this missense variant does not alter protein structure/function; Has not been previously published as pathogenic or benign to our knowledge

NM_007118.4(TRIO):c.7344G>T (p.Lys2448Asn)

Gene: TRIO (trio Rho guanine nucleotide exchange factor; plus strand). Cytogenetic location: 5p15.2.
Variant type: single nucleotide variant.
Coding change: c.7344G>T on transcript NM_007118.4 (MANE Select); coding-DNA position 7344, G replaced by T.
Protein change: p.Lys2448Asn; replaces lysine 2448 with asparagine.
Molecular consequence: missense variant.
Genome position (GRCh38, 1-based): chr5:14,487,972, G>T. VCF-style: chr5-14487972-G-T. GRCh37 (hg19) VCF-style: chr5-14488081-G-T.
Other names: short protein forms K2448N.
Identifiers: ClinVar variation 3897190 (VCV003897190.2).